The following is an entry in ClinVar:

ClinVar aggregate classification (germline): Uncertain significance. Review status: criteria provided, multiple submitters, no conflicts (2 of 4 stars). 2 submissions from 2 submitters: Uncertain significance (2). Last evaluated 2025-02-21.

Conditions:
HTR2C-related disorder. Also called: HTR2C-related condition.

Allele frequency attached by ClinVar (database versions not stated): gnomAD exomes 0.00001; ExAC 0.00003; gnomAD 0.00003; TOPMed 0.00010; ESP Exome Variant Server 0.00019; 1000 Genomes Project 30x 0.00021; 1000 Genomes Project 0.00026.
gnomAD v4.1: 12 of 1,208,841 alleles (0.00099%); highest among the groups gnomAD compares: African/African-American, 0.019%; no homozygotes.

Submissions (2):

PreventionGenetics, part of Exact Sciences
Classification: Uncertain significance for HTR2C-related condition. Last evaluated: 2025-02-21. Review status: criteria provided, single submitter. Criteria: ACMG Guidelines, 2015. Collection method: clinical testing. Allele origin: germline.
Comment: The HTR2C c.833C>G variant is predicted to result in the amino acid substitution p.Ala278Gly. To our knowledge, this variant has not been reported in the literature. This variant is reported in 0.032% of alleles in individuals of African descent in gnomAD, including a hemizygous individual. At this time, the clinical significance of this variant is uncertain due to the absence of conclusive functional and genetic evidence.

Ambry Genetics
Classification: Uncertain significance. Last evaluated: 2024-01-23. Review status: criteria provided, single submitter. Criteria: Ambry Variant Classification Scheme 2023. Collection method: clinical testing. Allele origin: germline.

NM_000868.4(HTR2C):c.833C>G (p.Ala278Gly)

Genes: HTR2C (5-hydroxytryptamine receptor 2C; plus strand), LOC126863306 (MED14-independent group 3 enhancer GRCh37_chrX:114140926-114142125; plus strand). Cytogenetic location: Xq23.
Variant type: single nucleotide variant.
Coding change: c.833C>G on transcript NM_000868.4 (MANE Select); coding-DNA position 833, C replaced by G.
Protein change: p.Ala278Gly; replaces alanine 278 with glycine.
Molecular consequence: missense variant.
Genome position (GRCh38, 1-based): chrX:114,906,871, C>G. VCF-style: chrX-114906871-C-G. GRCh37 (hg19) VCF-style: chrX-114141434-C-G.
Other names: c.833C>G (NM_000868.3); c.833C>G, p.Ala278Gly (NM_001256760.3); c.738C>G, p.Cys246Trp (NM_001256761.3); short protein forms C246W, A278G.
Identifiers: ClinVar variation 3107512 (VCV003107512.2), dbSNP rs146559807, ClinGen allele CA10495518.
Genomic context (GRCh38, chrX:114,906,871, plus strand): 5'-GACTAAGTCTGGATTTCCTGAAGTGCTGCAAGAGGAATACGGCCGAGGAAGAGAACTCTG[C>G]AAACCCTAACCAAGACCAGAACGCACGCCGAAGAAAGAAGAAGGAGAGACGTCCTAGGGG-3'
Protein context (NP_000859.2, residues 268-288): KRNTAEEENS[Ala278Gly]NPNQDQNARR